The following is an entry in ClinVar:

NM_000455.5(STK11):c.501G>T (p.Leu167=)

Gene: STK11 (serine/threonine kinase 11; plus strand). Cytogenetic location: 19p13.3.
Variant type: single nucleotide variant.
Coding change: c.501G>T on transcript NM_000455.5 (MANE Select); coding-DNA position 501, G replaced by T.
Protein change: p.Leu167=; no amino-acid change (leucine 167 retained).
Molecular consequence: synonymous variant. On other transcripts: non-coding transcript variant (1).
Genome position (GRCh38, 1-based): chr19:1,220,409, G>T. VCF-style: chr19-1220409-G-T. GRCh37 (hg19) VCF-style: chr19-1220408-G-T.
Other names: c.501G>T, p.Leu167= (NM_001407255.1).
Identifiers: ClinVar variation 3904273 (VCV003904273.1).

ClinVar aggregate classification (germline): Benign (1 of 4 stars; one submission).

Conditions:
Peutz-Jeghers syndrome (PJS). Also called: POLYPOSIS, HAMARTOMATOUS INTESTINAL; POLYPS-AND-SPOTS SYNDROME; Peutz-Jeghers polyposis; Periorificial lentiginosis syndrome. Identifiers: Orphanet 2869, MedGen C0031269, MeSH D010580, MONDO:0008280, OMIM 175200.

Submission:

Myriad Genetics, Inc.
Classification: Benign for Peutz-Jeghers syndrome. Last evaluated: 2025-03-26. Review status: criteria provided, single submitter. Criteria: Myriad Autosomal Dominant, Autosomal Recessive and X-Linked Classification Criteria (2023). Collection method: clinical testing. Allele origin: unknown.
Comment: This variant is considered benign. This variant is a silent/synonymous amino acid change and it is not expected to impact splicing.